The following is an entry in ClinVar:

NM_020843.4(SCAPER):c.494+7del

Gene: SCAPER (S-phase cyclin A associated protein in the ER; minus strand). Cytogenetic location: 15q24.3.
Variant type: Deletion.
Coding change: c.494+7del on transcript NM_020843.4 (MANE Select); 7 bases into the intron after coding-DNA position 494, one base deleted (A; older notation c.494+7delA).
Molecular consequence: intron variant.
Genome position (GRCh38, 1-based): chr15:76,804,526, T deleted on the plus strand (A on the coding strand, the reverse complement: SCAPER is on the minus strand). VCF-style (leftmost placement, unchanged base first): chr15-76804525-CT-C. GRCh37 (hg19) VCF-style: chr15-77096866-CT-C.
Other names: c.92+7del (NM_001353011.2, NM_001353012.2, NM_001353010.2); c.494+7del (NM_001353009.2); c.-404+7del (NM_001145923.2).
Identifiers: ClinVar variation 5001907 (VCV005001907.1).

ClinVar aggregate classification (germline): Likely benign (1 of 4 stars; one submission).

Conditions:
SCAPER-related disorder. Also called: SCAPER-related condition.

Submission:

PreventionGenetics, part of Exact Sciences
Classification: Likely benign for SCAPER-related condition. Last evaluated: 2026-09-21. Review status: criteria provided, single submitter. Criteria: ACMG Guidelines, 2015. Collection method: clinical testing. Allele origin: germline.
Comment: This variant is classified as likely benign based on ACMG/AMP sequence variant interpretation guidelines (Richards et al. 2015 PMID: 25741868, with internal and published modifications).